The following is an entry in ClinVar:

NM_000088.4(COL1A1):c.370-2_370-1dup

Gene: COL1A1 (collagen type I alpha 1 chain; minus strand). Cytogenetic location: 17q21.33.
Variant type: Duplication.
Coding change: c.370-2_370-1dup on transcript NM_000088.4 (MANE Select); the canonical splice acceptor site of the intron before coding-DNA position 370, 2 bases duplicated (AG; older notation c.370-2_370-1dupAG).
Molecular consequence: splice acceptor variant.
Genome position (GRCh38, 1-based): chr17:50,199,328-50,199,329, CT duplicated on the plus strand (AG on the coding strand, the reverse complement: COL1A1 is on the minus strand). VCF-style (leftmost placement, unchanged base first): chr17-50199327-C-CCT. GRCh37 (hg19) VCF-style: chr17-48276688-C-CCT.
Identifiers: ClinVar variation 3601065 (VCV003601065.1).

ClinVar aggregate classification (germline): Likely pathogenic (1 of 4 stars; one submission).

Conditions:
Osteogenesis imperfecta with normal sclerae, dominant form (OI4). Also called: OSTEOGENESIS IMPERFECTA, TYPE IV, WITH DENTINOGENESIS IMPERFECTA; Osteogenesis imperfecta type 4; Osteogenesis Imperfecta Type IV; OSTEOGENESIS IMPERFECTA WITH NORMAL SCLERAE; Common Variable Osteogenesis Imperfecta with Normal Sclerae. Identifiers: Orphanet 216820, Orphanet 666, MedGen C0268363, MONDO:0008148, OMIM 166220.

Submission:

Institute of Rare Diseases, West China Hospital, Sichuan University
Classification: Likely pathogenic for Osteogenesis imperfecta with normal sclerae, dominant form. Last evaluated: 2025-01-09. Review status: criteria provided, single submitter. Criteria: ClinGen HL ACMG Specifications v1. Collection method: research. Allele origin: germline. Affected: yes.
Comment: PVS1;PM2_Supporting